The following is an entry in ClinVar:

ClinVar aggregate classification (germline): Likely pathogenic (1 of 4 stars; one submission).

Conditions:
Hemochromatosis type 3 (HFE3). Also called: HEMOCHROMATOSIS DUE TO DEFECT IN TRANSFERRIN RECEPTOR 2; Hereditary hemochromatosis type 3; TFR2-Related Hemochromatosis. Identifiers: Orphanet 225123, MedGen C1858664, MONDO:0011417, OMIM 604250.

Submission:

Natera, Inc.
Classification: Likely pathogenic for Hereditary hemochromatosis type 3. Last evaluated: 2025-05-05. Review status: criteria provided, single submitter. Criteria: Natera Variant Classification Schema (03/2026). Collection method: clinical testing. Allele origin: germline.
Comment: The c.2155del variant in TFR2 is a frameshift variant predicted to shift the reading frame beginning at codon 719 and leads to a stop codon 58 codons downstream. This variant is expected to result in nonsense mediated decay, truncation, or a dysfunctional protein product. This variant is rare in the general population with a frequency below the threshold expected for the associated phenotype(s). Given the available evidence, this variant is classified as Likely Pathogenic.

NM_003227.4(TFR2):c.2155del (p.Ser719fs)

Gene: TFR2 (transferrin receptor 2; minus strand). Cytogenetic location: 7q22.1.
Variant type: Deletion.
Coding change: c.2155del on transcript NM_003227.4 (MANE Select); coding-DNA position 2155, one base deleted (T; older notation c.2155delT).
Protein change: p.Ser719fs; shifts the reading frame from serine 719.
Molecular consequence: frameshift variant.
Genome position (GRCh38, 1-based): chr7:100,621,108, A deleted on the plus strand (T on the coding strand, the reverse complement: TFR2 is on the minus strand); the first of 3 consecutive A bases (chr7:100,621,108-100,621,110); deleting any one gives the same sequence. VCF-style (leftmost placement, unchanged base first): chr7-100621107-GA-G. GRCh37 (hg19) VCF-style: chr7-100218730-GA-G.
Other names: c.1642del, p.Ser548fs (NM_001206855.3); short protein forms S548fs, S719fs.
Identifiers: ClinVar variation 4062173 (VCV004062173.2).
Genomic context (GRCh38, chr7:100,621,107, plus strand): 5'-TGGTCTCCACGGCCCATGAAGATGTGGCGGAACGGGGAGTCGGCTGGCGACACGTACTGG[GA>G]AAGGAAGTAGAACTCCACCTGCGCAGAGAGGGGGATCAGGTCAGGGTTGGGGGCTCTGGC-3'